The following is an entry in ClinVar:

NM_001018111.3(PODXL):c.1102-12_1102-8del

Gene: PODXL (podocalyxin like; minus strand). Cytogenetic location: 7q32.3.
Variant type: Deletion.
Coding change: c.1102-12_1102-8del on transcript NM_001018111.3 (MANE Select); 12 bases into the intron before coding-DNA position 1102 through 8 bases into the intron before coding-DNA position 1102, 5 bases deleted (TCCCC; older notation c.1102-12_1102-8delTCCCC).
Molecular consequence: intron variant.
Genome position (GRCh38, 1-based): chr7:131,506,734-131,506,738, GGGGA deleted on the plus strand (TCCCC on the coding strand, the reverse complement: PODXL is on the minus strand); deleting any 5 consecutive bases within chr7:131,506,734-131,506,739 gives the same sequence; the c. name uses the placement nearest the transcript's 3' end. VCF-style (leftmost placement, unchanged base first): chr7-131506733-TGGGGA-T. GRCh37 (hg19) VCF-style: chr7-131191492-TGGGGA-T.
Other names: c.1006-12_1006-8del (NM_005397.4).
Identifiers: ClinVar variation 3701240 (VCV003701240.2).

ClinVar aggregate classification (germline): Uncertain significance (1 of 4 stars; one submission).

Submission:

Labcorp Genetics (formerly Invitae), Labcorp
Classification: Uncertain significance. Last evaluated: 2025-06-12. Review status: criteria provided, single submitter. Criteria: Invitae Variant Classification Sherloc (09022015). Collection method: clinical testing. Allele origin: germline.
Comment: This sequence change falls in intron 4 of the PODXL gene. It does not directly change the encoded amino acid sequence of the PODXL protein. This variant is not present in population databases (gnomAD no frequency). This variant has not been reported in the literature in individuals affected with PODXL-related conditions. ClinVar contains an entry for this variant (Variation ID: 3701240). Algorithms developed to predict the effect of sequence changes on RNA splicing suggest that this variant may disrupt the consensus splice site. In summary, the available evidence is currently insufficient to determine the role of this variant in disease. Therefore, it has been classified as a Variant of Uncertain Significance.